The following is an entry in ClinVar:

NM_001170700.3(DTHD1):c.1805G>A (p.Arg602Lys)

Gene: DTHD1 (death domain containing 1; plus strand). Cytogenetic location: 4p14.
Variant type: single nucleotide variant.
Coding change: c.1805G>A on transcript NM_001170700.3 (MANE Select); coding-DNA position 1805, G replaced by A.
Protein change: p.Arg602Lys; replaces arginine 602 with lysine.
Molecular consequence: missense variant. On other transcripts: non-coding transcript variant (2).
Genome position (GRCh38, 1-based): chr4:36,306,352, G>A. VCF-style: chr4-36306352-G-A. GRCh37 (hg19) VCF-style: chr4-36307974-G-A.
Other names: c.935G>A, p.Arg312Lys (NM_001136536.5); c.872G>A, p.Arg291Lys (NM_001378435.1); short protein forms R312K, R291K, R602K.
Identifiers: ClinVar variation 2203151 (VCV002203151.4), dbSNP rs777323018, ClinGen allele CA2885674.

ClinVar aggregate classification (germline): Uncertain significance (1 of 4 stars; one submission).

Allele frequency attached by ClinVar (database versions not stated): gnomAD 0.00001; ExAC 0.00028.
gnomAD v4.1: 61 of 1,529,832 alleles (0.004%); highest among the groups gnomAD compares: South Asian, 0.061%; 1 homozygote.

Submission:

Labcorp Genetics (formerly Invitae), Labcorp
Classification: Uncertain significance. Last evaluated: 2024-09-23. Review status: criteria provided, single submitter. Criteria: Invitae Variant Classification Sherloc (09022015). Collection method: clinical testing. Allele origin: germline.
Comment: This sequence change replaces arginine, which is basic and polar, with lysine, which is basic and polar, at codon 312 of the DTHD1 protein (p.Arg312Lys). This variant also falls at the last nucleotide of exon 5, which is part of the consensus splice site for this exon. This variant is present in population databases (rs777323018, gnomAD 0.04%). This variant has not been reported in the literature in individuals affected with DTHD1-related conditions. ClinVar contains an entry for this variant (Variation ID: 2203151). An algorithm developed to predict the effect of missense changes on protein structure and function (PolyPhen-2) suggests that this variant is likely to be tolerated. Variants that disrupt the consensus splice site are a relatively common cause of aberrant splicing (PMID: 17576681, 9536098). Algorithms developed to predict the effect of sequence changes on RNA splicing suggest that this variant may disrupt the consensus splice site. In summary, the available evidence is currently insufficient to determine the role of this variant in disease. Therefore, it has been classified as a Variant of Uncertain Significance.

Literature cited by the submitters: PubMed 17576681; PubMed 9536098.